The following is an entry in ClinVar:

NM_004168.4(SDHA):c.1419G>A (p.Glu473=)

Gene: SDHA (succinate dehydrogenase complex flavoprotein subunit A; plus strand). Cytogenetic location: 5p15.33.
Variant type: single nucleotide variant.
Coding change: c.1419G>A on transcript NM_004168.4 (MANE Select); coding-DNA position 1419, G replaced by A.
Protein change: p.Glu473=; no amino-acid change (glutamic acid 473 retained).
Molecular consequence: synonymous variant.
Genome position (GRCh38, 1-based): chr5:236,586, G>A. VCF-style: chr5-236586-G-A. GRCh37 (hg19) VCF-style: chr5-236701-G-A.
Other names: c.1275G>A, p.Glu425= (NM_001294332.2); c.1419G>A, p.Glu473= (NM_001330758.2).
Identifiers: ClinVar variation 417251 (VCV000417251.17), dbSNP rs898003329, ClinGen allele CA16611971.

ClinVar aggregate classification (germline): Benign/Likely benign. Review status: criteria provided, multiple submitters, no conflicts (2 of 4 stars). 4 submissions from 4 submitters: Benign (1); Likely benign (2). 1 of the submissions does not count toward it. Last evaluated 2026-01-26.

Conditions:
Mitochondrial complex II deficiency, nuclear type 1. Also called: SUCCINATE CoQ REDUCTASE DEFICIENCY. Identifiers: Orphanet 3208, MedGen C5700310, MONDO:0100294, OMIM 252011.
Pheochromocytoma/paraganglioma syndrome 5. Also called: SDHA-Related Hereditary Paraganglioma-Pheochromocytoma Syndrome; Paragangliomas 5. Identifiers: Orphanet 29072, MedGen C3279992, MONDO:0013602, OMIM 614165.
SDHA-related disorder. Also called: SDHA-related disorders; SDHA-related condition.
Hereditary cancer-predisposing syndrome. Also called: Neoplastic Syndromes, Hereditary; Hereditary Cancer Syndrome; Tumor predisposition; Hereditary neoplastic syndrome. Identifiers: Orphanet 140162, MedGen C0027672, MeSH D009386, MONDO:0015356.

Allele frequency attached by ClinVar (database versions not stated): gnomAD exomes below 0.00001 and 0.00001; gnomAD 0.00002; TOPMed 0.00004.
gnomAD v4.1: 6 of 1,613,908 alleles (0.00037%); highest among the groups gnomAD compares: African/African-American, 0.008%; no homozygotes.

Submissions (4):

Labcorp Genetics (formerly Invitae), Labcorp
Classification: Likely benign for Pheochromocytoma/paraganglioma syndrome 5; Mitochondrial complex II deficiency, nuclear type 1. Last evaluated: 2026-01-26. Review status: criteria provided, single submitter. Criteria: Invitae Variant Classification Sherloc (09022015). Collection method: clinical testing. Allele origin: germline.

Myriad Genetics, Inc.
Classification: Benign for Pheochromocytoma/paraganglioma syndrome 5. Last evaluated: 2025-03-10. Review status: criteria provided, single submitter. Criteria: Myriad Autosomal Dominant, Autosomal Recessive and X-Linked Classification Criteria (2023). Collection method: clinical testing. Allele origin: unknown.
Comment: This variant is considered benign. This variant is a silent/synonymous amino acid change and it is not expected to impact splicing.

Ambry Genetics
Classification: Likely benign for Hereditary cancer-predisposing syndrome. Last evaluated: 2016-08-25. Review status: criteria provided, single submitter. Criteria: Ambry Variant Classification Scheme 2023. Collection method: clinical testing. Allele origin: germline.

PreventionGenetics, part of Exact Sciences
Classification: Likely benign for SDHA-related condition. Last evaluated: 2020-02-26. Review status: no assertion criteria provided. Collection method: clinical testing. Allele origin: germline. Not counted in ClinVar's aggregate classification.
Comment: This variant is classified as likely benign based on ACMG/AMP sequence variant interpretation guidelines (Richards et al. 2015 PMID: 25741868, with internal and published modifications).